The following is an entry in ClinVar:

ClinVar aggregate classification (germline): Uncertain significance. Review status: criteria provided, multiple submitters, no conflicts (2 of 4 stars). 2 submissions from 2 submitters: Uncertain significance (2). Last evaluated 2025-06-18.

Allele frequency attached by ClinVar (database versions not stated): ExAC 0.00003; ESP Exome Variant Server 0.00008; gnomAD 0.00011; TOPMed 0.00011.
gnomAD v4.1: 38 of 1,606,232 alleles (0.0024%); highest among the groups gnomAD compares: African/African-American, 0.047%; no homozygotes.

Submissions (2):

Labcorp Genetics (formerly Invitae), Labcorp
Classification: Uncertain significance. Last evaluated: 2025-06-18. Review status: criteria provided, single submitter. Criteria: Invitae Variant Classification Sherloc (09022015). Collection method: clinical testing. Allele origin: germline.
Comment: This sequence change replaces valine, which is neutral and non-polar, with leucine, which is neutral and non-polar, at codon 159 of the NYNRIN protein (p.Val159Leu). This variant is present in population databases (rs370323848, gnomAD 0.02%). This variant has not been reported in the literature in individuals affected with NYNRIN-related conditions. ClinVar contains an entry for this variant (Variation ID: 2359703). Experimental studies and prediction algorithms are not available or were not evaluated, and the functional significance of this variant is currently unknown. In summary, the available evidence is currently insufficient to determine the role of this variant in disease. Therefore, it has been classified as a Variant of Uncertain Significance.

Ambry Genetics
Classification: Uncertain significance. Last evaluated: 2021-09-14. Review status: criteria provided, single submitter. Criteria: Ambry Variant Classification Scheme 2023. Collection method: clinical testing. Allele origin: germline.

NM_025081.3(NYNRIN):c.475G>T (p.Val159Leu)

Gene: NYNRIN (NYN domain and retroviral integrase containing; plus strand). Cytogenetic location: 14q12.
Variant type: single nucleotide variant.
Coding change: c.475G>T on transcript NM_025081.3 (MANE Select); coding-DNA position 475, G replaced by T.
Protein change: p.Val159Leu; replaces valine 159 with leucine.
Molecular consequence: missense variant.
Genome position (GRCh38, 1-based): chr14:24,408,145, G>T. VCF-style: chr14-24408145-G-T. GRCh37 (hg19) VCF-style: chr14-24877351-G-T.
Other names: short protein forms V159L.
Identifiers: ClinVar variation 2359703 (VCV002359703.3), dbSNP rs370323848, ClinGen allele CA7136613.